The following is an entry in ClinVar:

ClinVar aggregate classification (germline): Uncertain significance (1 of 4 stars; one submission).

Allele frequency attached by ClinVar (database versions not stated): TOPMed below 0.00001; gnomAD 0.00001.

Submission:

Labcorp Genetics (formerly Invitae), Labcorp
Classification: Uncertain significance. Last evaluated: 2021-12-13. Review status: criteria provided, single submitter. Criteria: Invitae Variant Classification Sherloc (09022015). Collection method: clinical testing. Allele origin: germline.
Comment: This sequence change replaces lysine, which is basic and polar, with glutamine, which is neutral and polar, at codon 1813 of the MCM3AP protein (p.Lys1813Gln). This variant is not present in population databases (gnomAD no frequency). This variant has not been reported in the literature in individuals affected with MCM3AP-related conditions. Algorithms developed to predict the effect of missense changes on protein structure and function (SIFT, PolyPhen-2, Align-GVGD) all suggest that this variant is likely to be tolerated. In summary, the available evidence is currently insufficient to determine the role of this variant in disease. Therefore, it has been classified as a Variant of Uncertain Significance.

NM_003906.5(MCM3AP):c.5437A>C (p.Lys1813Gln)

Genes: MCM3AP (minichromosome maintenance complex component 3 associated protein; minus strand), MCM3AP-AS1 (MCM3AP antisense RNA 1; plus strand). Cytogenetic location: 21q22.3.
Variant type: single nucleotide variant.
Coding change: c.5437A>C on transcript NM_003906.5 (MANE Select); coding-DNA position 5437, A replaced by C.
Protein change: p.Lys1813Gln; replaces lysine 1813 with glutamine.
Molecular consequence: missense variant. On other transcripts: non-coding transcript variant (4).
Genome position (GRCh38, 1-based): chr21:46,241,007, T>G on the plus strand (A>C on the coding strand, the complement: MCM3AP is on the minus strand). VCF-style: chr21-46241007-T-G. GRCh37 (hg19) VCF-style: chr21-47660921-T-G.
Other names: short protein forms K1813Q.
Identifiers: ClinVar variation 2168443 (VCV002168443.4), dbSNP rs1239735178, ClinGen allele CA410537387.